The following is an entry in ClinVar:

NM_003073.5(SMARCB1):c.41C>A (p.Pro14His)

Gene: SMARCB1 (SWI/SNF related BAF chromatin remodeling complex subunit B1; plus strand). Cytogenetic location: 22q11.23.
Variant type: single nucleotide variant.
Coding change: c.41C>A on transcript NM_003073.5 (MANE Select); coding-DNA position 41, C replaced by A.
Protein change: p.Pro14His; replaces proline 14 with histidine.
Molecular consequence: missense variant.
Genome position (GRCh38, 1-based): chr22:23,787,210, C>A. VCF-style: chr22-23787210-C-A. GRCh37 (hg19) VCF-style: chr22-24129397-C-A.
Other names: c.41C>A, p.Pro14His (NM_001007468.3, NM_001317946.2, NM_001362877.2); short protein forms P14H.
Identifiers: ClinVar variation 1738639 (VCV001738639.10), dbSNP rs2517652605, ClinGen allele CA410930644.

ClinVar aggregate classification (germline): Pathogenic/Likely pathogenic. Review status: criteria provided, multiple submitters, no conflicts (2 of 4 stars). 3 submissions from 3 submitters: Pathogenic (1); Likely pathogenic (2). Last evaluated 2026-05-21.

Conditions:
Hereditary cancer-predisposing syndrome. Also called: Hereditary Cancer Syndrome; Hereditary neoplastic syndrome; Neoplastic Syndromes, Hereditary; Tumor predisposition. Identifiers: Orphanet 140162, MedGen C0027672, MeSH D009386, MONDO:0015356.

Allele frequency attached by ClinVar (database versions not stated): gnomAD exomes below 0.00001.
gnomAD v4.1: 2 of 1,609,164 alleles (0.00012%); highest among the groups gnomAD compares: Non-Finnish European, 0.00017%; no homozygotes.

Submissions (3):

Ambry Genetics
Classification: Likely pathogenic for Hereditary cancer-predisposing syndrome. Last evaluated: 2026-05-21. Review status: criteria provided, single submitter. Criteria: Ambry Variant Classification Scheme 2023. Collection method: clinical testing. Allele origin: germline.
Comment: The p.P14H variant (also known as c.41C>A), located in coding exon 1 of the SMARCB1 gene, results from a C to A substitution at nucleotide position 41. The proline at codon 14 is replaced by histidine, an amino acid with similar properties. This alteration has been observed in individuals with a personal and/or family history that is consistent with SMARCB1-related disease (Ambry internal data, Boyd C. Clin. Genet. 2008 Oct;74(4):358-66, Caltabiano R. Childs Nerv Syst . 2017 Jun;33(6):933-940). A structural assessment predicted that this alteration would be destabilizing (Ambry internal data; Allen MD et al. Structure, 2015 Jul;23:1344-9). This amino acid position is highly conserved in available vertebrate species. In addition, this alteration is predicted to be deleterious by in silico analysis. This variant is considered to be rare based on population cohorts in the Genome Aggregation Database (gnomAD). Based on the supporting evidence, this alteration is likely pathogenic for SMARCB1-related tumor predisposition syndrome; however, the association of this alteration with Coffin-Siris syndrome is unknown.

GeneDx
Classification: Likely pathogenic. Last evaluated: 2026-03-19. Review status: criteria provided, single submitter. Criteria: GeneDx Variant Classification Process June 2021. Collection method: clinical testing. Allele origin: germline.
Comment: In silico analysis supports that this missense variant has a deleterious effect on protein structure/function; Not observed at significant frequency in large population cohorts (gnomAD); This variant is associated with the following publications: (PMID: 22434358, 18647326, 26073604, 19582488, 24933152, 41284083, 18285426, 39209702, 28365909)

Labcorp Genetics (formerly Invitae), Labcorp
Classification: Pathogenic. Last evaluated: 2022-11-18. Review status: criteria provided, single submitter. Criteria: Invitae Variant Classification Sherloc (09022015). Collection method: clinical testing. Allele origin: germline.
Comment: For these reasons, this variant has been classified as Pathogenic. Algorithms developed to predict the effect of missense changes on protein structure and function are either unavailable or do not agree on the potential impact of this missense change (SIFT: "Deleterious"; PolyPhen-2: "Probably Damaging"; Align-GVGD: "Class C0"). This missense change has been observed in individuals with schwannomas (PMID: 18285426, 22434358, 28365909; Invitae). It has also been observed to segregate with disease in related individuals. This variant is not present in population databases (gnomAD no frequency). This sequence change replaces proline, which is neutral and non-polar, with histidine, which is basic and polar, at codon 14 of the SMARCB1 protein (p.Pro14His).

Literature cited by the submitters: PubMed 18285426 (cited by Ambry Genetics and Labcorp Genetics (formerly Invitae), Labcorp); PubMed 18647326 (cited by Ambry Genetics); PubMed 22434358 (cited by Ambry Genetics and Labcorp Genetics (formerly Invitae), Labcorp); PubMed 22949514 (cited by Ambry Genetics); PubMed 26073604 (cited by Ambry Genetics); PubMed 28365909 (cited by Ambry Genetics and Labcorp Genetics (formerly Invitae), Labcorp); PubMed 29706634 (cited by Ambry Genetics).